The following is an entry in ClinVar:

ClinVar aggregate classification (germline): Uncertain significance (1 of 4 stars; one submission).

Submission:

Labcorp Genetics (formerly Invitae), Labcorp
Classification: Uncertain significance. Last evaluated: 2025-01-01. Review status: criteria provided, single submitter. Criteria: Invitae Variant Classification Sherloc (09022015). Collection method: clinical testing. Allele origin: germline.
Comment: This sequence change replaces glycine, which is neutral and non-polar, with aspartic acid, which is acidic and polar, at codon 420 of the LAMB1 protein (p.Gly420Asp). This variant is not present in population databases (gnomAD no frequency). This variant has not been reported in the literature in individuals affected with LAMB1-related conditions. An algorithm developed to predict the effect of missense changes on protein structure and function (PolyPhen-2) suggests that this variant is likely to be disruptive. In summary, the available evidence is currently insufficient to determine the role of this variant in disease. Therefore, it has been classified as a Variant of Uncertain Significance.

NM_002291.3(LAMB1):c.1259G>A (p.Gly420Asp)

Gene: LAMB1 (laminin subunit beta 1; minus strand). Cytogenetic location: 7q31.1.
Variant type: single nucleotide variant.
Coding change: c.1259G>A on transcript NM_002291.3 (MANE Select); coding-DNA position 1259, G replaced by A.
Protein change: p.Gly420Asp; replaces glycine 420 with aspartic acid.
Molecular consequence: missense variant.
Genome position (GRCh38, 1-based): chr7:107,975,344, C>T on the plus strand (G>A on the coding strand, the complement: LAMB1 is on the minus strand). VCF-style: chr7-107975344-C-T. GRCh37 (hg19) VCF-style: chr7-107615789-C-T.
Other names: short protein forms G420D.
Identifiers: ClinVar variation 3668622 (VCV003668622.2).